The following is an entry in ClinVar:

NM_000370.3(TTPA):c.650A>T (p.Lys217Ile)

Gene: TTPA (alpha tocopherol transfer protein; minus strand). Cytogenetic location: 8q12.3.
Variant type: single nucleotide variant.
Coding change: c.650A>T on transcript NM_000370.3 (MANE Select); coding-DNA position 650, A replaced by T.
Protein change: p.Lys217Ile; replaces lysine 217 with isoleucine.
Molecular consequence: missense variant.
Genome position (GRCh38, 1-based): chr8:63,064,219, T>A on the plus strand (A>T on the coding strand, the complement: TTPA is on the minus strand). VCF-style: chr8-63064219-T-A. GRCh37 (hg19) VCF-style: chr8-63976778-T-A.
Other names: short protein forms K217I.
Identifiers: ClinVar variation 1487586 (VCV001487586.6), dbSNP rs2129741309, ClinGen allele CA371332050.

ClinVar aggregate classification (germline): Uncertain significance (1 of 4 stars; one submission).

Submission:

Labcorp Genetics (formerly Invitae), Labcorp
Classification: Uncertain significance. Last evaluated: 2022-07-05. Review status: criteria provided, single submitter. Criteria: Invitae Variant Classification Sherloc (09022015). Collection method: clinical testing. Allele origin: germline.
Comment: In summary, the available evidence is currently insufficient to determine the role of this variant in disease. Therefore, it has been classified as a Variant of Uncertain Significance. Algorithms developed to predict the effect of missense changes on protein structure and function (SIFT, PolyPhen-2, Align-GVGD) all suggest that this variant is likely to be disruptive. ClinVar contains an entry for this variant (Variation ID: 1487586). This variant has not been reported in the literature in individuals affected with TTPA-related conditions. This variant is not present in population databases (gnomAD no frequency). This sequence change replaces lysine, which is basic and polar, with isoleucine, which is neutral and non-polar, at codon 217 of the TTPA protein (p.Lys217Ile).